The following is an entry in ClinVar:

ClinVar aggregate classification (germline): Uncertain significance (1 of 4 stars; one submission).

Conditions:
Ataxia-telangiectasia syndrome (AT). Also called: Ataxia-telangiectasia, complementation group D; AT, COMPLEMENTATION GROUP C; ATAXIA-TELANGIECTASIA, COMPLEMENTATION GROUP A; ATAXIA-TELANGIECTASIA, FRESNO VARIANT; Ataxia-telangiectasia; Ataxia-telangiectasia, complementation group E. Identifiers: Orphanet 100, MedGen C0004135, MONDO:0008840, OMIM 208900.

Submission:

Labcorp Genetics (formerly Invitae), Labcorp
Classification: Uncertain significance for Ataxia-telangiectasia syndrome. Last evaluated: 2025-05-25. Review status: criteria provided, single submitter. Criteria: Invitae Variant Classification Sherloc (09022015). Collection method: clinical testing. Allele origin: germline.
Comment: This sequence change falls in intron 41 of the ATM gene. It does not directly change the encoded amino acid sequence of the ATM protein. This variant is not present in population databases (gnomAD no frequency). This variant has not been reported in the literature in individuals affected with ATM-related conditions. Algorithms developed to predict the effect of sequence changes on RNA splicing suggest that this variant may disrupt the consensus splice site. In summary, the available evidence is currently insufficient to determine the role of this variant in disease. Therefore, it has been classified as a Variant of Uncertain Significance.

NM_000051.4(ATM):c.6096-16C>G

Genes: ATM (ATM serine/threonine kinase; plus strand), C11orf65 (chromosome 11 open reading frame 65; minus strand). Cytogenetic location: 11q22.3.
Variant type: single nucleotide variant.
Coding change: c.6096-16C>G on transcript NM_000051.4 (MANE Select); 16 bases into the intron before coding-DNA position 6096, C replaced by G.
Molecular consequence: intron variant.
Genome position (GRCh38, 1-based): chr11:108,315,995, C>G. VCF-style: chr11-108315995-C-G. GRCh37 (hg19) VCF-style: chr11-108186722-C-G.
Other names: c.6096-16C>G (NM_001351834.2); c.641-6924G>C (NM_001330368.2); c.*39-6924G>C (NM_001351110.2).
Identifiers: ClinVar variation 4720219 (VCV004720219.1).